The following is an entry in ClinVar:

ClinVar aggregate classification (germline): Uncertain significance. Review status: criteria provided, multiple submitters, no conflicts (2 of 4 stars). 2 submissions from 2 submitters: Uncertain significance (2). Last evaluated 2026-05-21.

Conditions:
PNPT1-related disorder. Also called: PNPT1-related disorders; PNPT1-related condition.

Allele frequency attached by ClinVar (database versions not stated): gnomAD 0.00001; TOPMed 0.00001.
gnomAD v4.1: 1 of 1,611,342 alleles (0.000062%); no homozygotes.

Submissions (2):

PreventionGenetics, part of Exact Sciences
Classification: Uncertain significance for PNPT1-related condition. Last evaluated: 2026-05-21. Review status: criteria provided, single submitter. Criteria: ACMG Guidelines, 2015. Collection method: clinical testing. Allele origin: germline.
Comment: The PNPT1 c.1441+4T>A variant is predicted to interfere with splicing. To our knowledge, this variant has not been reported in the literature. This variant is reported in 0.029% of alleles in individuals of European (Finnish) descent in gnomAD. At this time, the clinical significance of this variant is uncertain due to the absence of conclusive functional and genetic evidence.

Labcorp Genetics (formerly Invitae), Labcorp
Classification: Uncertain significance. Last evaluated: 2022-07-06. Review status: criteria provided, single submitter. Criteria: Invitae Variant Classification Sherloc (09022015). Collection method: clinical testing. Allele origin: germline.
Comment: ClinVar contains an entry for this variant (Variation ID: 1374221). This variant has not been reported in the literature in individuals affected with PNPT1-related conditions. This variant is present in population databases (no rsID available, gnomAD 0.03%). This sequence change falls in intron 17 of the PNPT1 gene. It does not directly change the encoded amino acid sequence of the PNPT1 protein. It affects a nucleotide within the consensus splice site. Variants that disrupt the consensus splice site are a relatively common cause of aberrant splicing (PMID: 17576681, 9536098). Algorithms developed to predict the effect of sequence changes on RNA splicing suggest that this variant may create or strengthen a splice site. In summary, the available evidence is currently insufficient to determine the role of this variant in disease. Therefore, it has been classified as a Variant of Uncertain Significance.

Literature cited by the submitters: PubMed 17576681 (cited by Labcorp Genetics (formerly Invitae), Labcorp); PubMed 9536098 (cited by Labcorp Genetics (formerly Invitae), Labcorp).

NM_033109.5(PNPT1):c.1441+4T>A

Gene: PNPT1 (polyribonucleotide nucleotidyltransferase 1; minus strand). Cytogenetic location: 2p16.1.
Variant type: single nucleotide variant.
Coding change: c.1441+4T>A on transcript NM_033109.5 (MANE Select); 4 bases into the intron after coding-DNA position 1441, T replaced by A.
Molecular consequence: intron variant.
Genome position (GRCh38, 1-based): chr2:55,656,127, A>T on the plus strand (T>A on the coding strand, the complement: PNPT1 is on the minus strand). VCF-style: chr2-55656127-A-T. GRCh37 (hg19) VCF-style: chr2-55883262-A-T.
Other names: c.1441+4T>A (NM_033109.4).
Identifiers: ClinVar variation 1374221 (VCV001374221.7), dbSNP rs1446586710, ClinGen allele CA532791037.
Genomic context (GRCh38, chr2:55,656,127, plus strand): 5'-AACTTAATAATAGAATAGGGAATATGGTCTTTTCTACTATGAAAGAAGTATTTCAATACC[A>T]TACCATTTGACTCTAGGACTTCAGATGTAACTCTTATGGTGAAAGGAAAATCTCGGGGAA-3'